The following is an entry in ClinVar:

NM_000454.5(SOD1):c.446T>G (p.Val149Gly)

Gene: SOD1 (superoxide dismutase 1; plus strand). Cytogenetic location: 21q22.11.
Variant type: single nucleotide variant.
Coding change: c.446T>G on transcript NM_000454.5 (MANE Select); coding-DNA position 446, T replaced by G.
Protein change: p.Val149Gly; replaces valine 149 with glycine.
Molecular consequence: missense variant.
Genome position (GRCh38, 1-based): chr21:31,668,559, T>G. VCF-style: chr21-31668559-T-G. GRCh37 (hg19) VCF-style: chr21-33040872-T-G.
Other names: short protein forms V149G.
Identifiers: ClinVar variation 873204 (VCV000873204.9), dbSNP rs1476760624, ClinGen allele CA410037821.

ClinVar aggregate classification (germline): Pathogenic/Likely pathogenic. Review status: criteria provided, multiple submitters, no conflicts (2 of 4 stars). 3 submissions from 3 submitters: Pathogenic (2); Likely pathogenic (1). Last evaluated 2024-05-20.

Conditions:
Amyotrophic lateral sclerosis type 1 (ALS1). Also called: AMYOTROPHIC LATERAL SCLEROSIS 1, FAMILIAL. Identifiers: Orphanet 803, MedGen C1862939, MONDO:0007103, OMIM 105400.

Allele frequency attached by ClinVar (database versions not stated): gnomAD exomes below 0.00001.

Submissions (3):

Labcorp Genetics (formerly Invitae), Labcorp
Classification: Pathogenic for Amyotrophic lateral sclerosis type 1. Last evaluated: 2024-05-20. Review status: criteria provided, single submitter. Criteria: Invitae Variant Classification Sherloc (09022015). Collection method: clinical testing. Allele origin: germline.
Comment: This sequence change replaces valine, which is neutral and non-polar, with glycine, which is neutral and non-polar, at codon 149 of the SOD1 protein (p.Val149Gly). This variant is present in population databases (no rsID available, gnomAD 0.0009%). This missense change has been observed in individuals with autosomal dominant amyotrophic lateral sclerosis (PMID: 11951178, 25681989, 28105640). This variant is also known as V148G. ClinVar contains an entry for this variant (Variation ID: 873204). Advanced modeling of protein sequence and biophysical properties (such as structural, functional, and spatial information, amino acid conservation, physicochemical variation, residue mobility, and thermodynamic stability) performed at Invitae indicates that this missense variant is expected to disrupt SOD1 protein function with a positive predictive value of 95%. Experimental studies have shown that this missense change affects SOD1 function (PMID: 19483195, 23280792, 26362407). For these reasons, this variant has been classified as Pathogenic.

GeneDx
Classification: Pathogenic. Last evaluated: 2023-10-04. Review status: criteria provided, single submitter. Criteria: GeneDx Variant Classification Process June 2021. Collection method: clinical testing. Allele origin: germline. Affected: yes.
Comment: Published functional studies demonstrate that this variant impairs protein function by damaging homodimer formation and increasing its aggregation (Prudencio et al., 2009; Broom et al., 2015); In silico analysis supports that this missense variant has a deleterious effect on protein structure/function; Not observed at significant frequency in large population cohorts (gnomAD); This variant is associated with the following publications: (PMID: 25681989, 23280792, 19483195, 26362407, 28105640, 8351519, 22292843, 11951178, 34426522, 32789025, 35585374, 34693290, 36845075, 37317638, 37223130)

Suna and Inan Kirac Foundation Neurodegeneration Research Laboratory, Koc University
Classification: Likely pathogenic for Amyotrophic lateral sclerosis type 1. Last evaluated: 2020-03-31. Review status: criteria provided, single submitter. Criteria: ACMG Guidelines, 2015. Collection method: research. Allele origin: germline. Affected: yes. Observed: 1 variant allele.

Literature cited by the submitters: PubMed 11951178 (cited by Labcorp Genetics (formerly Invitae), Labcorp); PubMed 25681989 (cited by Labcorp Genetics (formerly Invitae), Labcorp); PubMed 28105640 (cited by Labcorp Genetics (formerly Invitae), Labcorp); PubMed 19483195 (cited by Labcorp Genetics (formerly Invitae), Labcorp); PubMed 23280792 (cited by Labcorp Genetics (formerly Invitae), Labcorp); PubMed 26362407 (cited by Labcorp Genetics (formerly Invitae), Labcorp).